The following is an entry in ClinVar:

ClinVar aggregate classification (germline): Likely benign. Review status: criteria provided, multiple submitters, no conflicts (2 of 4 stars). 2 submissions from 2 submitters: Likely benign (2). Last evaluated 2025-12-01.

Conditions:
Tuberous sclerosis 2 (TSC2). Identifiers: Orphanet 805, MedGen C1860707, MONDO:0013199, OMIM 613254.

Allele frequency attached by ClinVar (database versions not stated): gnomAD exomes below 0.00001; gnomAD 0.00001.

Submissions (2):

Labcorp Genetics (formerly Invitae), Labcorp
Classification: Likely benign for Tuberous sclerosis 2. Last evaluated: 2025-12-01. Review status: criteria provided, single submitter. Criteria: Invitae Variant Classification Sherloc (09022015). Collection method: clinical testing. Allele origin: germline.

Myriad Genetics, Inc.
Classification: Likely benign for Tuberous sclerosis 2. Last evaluated: 2025-05-20. Review status: criteria provided, single submitter. Criteria: Myriad Autosomal Dominant, Autosomal Recessive and X-Linked Classification Criteria (2023). Collection method: clinical testing. Allele origin: unknown.
Comment: This variant is considered likely benign. This variant is intronic and is not expected to impact mRNA splicing.

NM_000548.5(TSC2):c.2546-17C>T

Gene: TSC2 (TSC complex subunit 2; plus strand). Cytogenetic location: 16p13.3.
Variant type: single nucleotide variant.
Coding change: c.2546-17C>T on transcript NM_000548.5 (MANE Select); 17 bases into the intron before coding-DNA position 2546, C replaced by T.
Molecular consequence: intron variant.
Genome position (GRCh38, 1-based): chr16:2,075,782, C>T. VCF-style: chr16-2075782-C-T. GRCh37 (hg19) VCF-style: chr16-2125783-C-T.
Other names: c.2546-17C>T (NM_001114382.3, NM_021055.3, NM_001370405.1 and 3 more transcripts); c.2435-17C>T (NM_001318827.2); c.1946-17C>T (NM_001318831.2); c.2399-17C>T (NM_001318829.2); c.2579-17C>T (NM_001318832.2).
Identifiers: ClinVar variation 2189348 (VCV002189348.5), dbSNP rs1216321428, ClinGen allele CA620376070.